The following is an entry in ClinVar:

NM_080732.4(EGLN2):c.328C>A (p.Gln110Lys)

Genes: EGLN2 (egl-9 family hypoxia inducible factor 2; plus strand), RAB4B-EGLN2 (RAB4B-EGLN2 readthrough (NMD candidate); plus strand). Cytogenetic location: 19q13.2.
Variant type: single nucleotide variant.
Coding change: c.328C>A on transcript NM_080732.4 (MANE Select); coding-DNA position 328, C replaced by A.
Protein change: p.Gln110Lys; replaces glutamine 110 with lysine.
Molecular consequence: missense variant. On other transcripts: non-coding transcript variant (1).
Genome position (GRCh38, 1-based): chr19:40,800,900, C>A. VCF-style: chr19-40800900-C-A. GRCh37 (hg19) VCF-style: chr19-41306805-C-A.
Other names: c.328C>A, p.Gln110Lys (NM_053046.4); short protein forms Q110K.
Identifiers: ClinVar variation 2449350 (VCV002449350.2), dbSNP rs2515993592, ClinGen allele CA405955024.

ClinVar aggregate classification (germline): Uncertain significance (1 of 4 stars; one submission).

Submission:

Ambry Genetics
Classification: Uncertain significance. Last evaluated: 2022-11-10. Review status: criteria provided, single submitter. Criteria: Ambry Variant Classification Scheme 2023. Collection method: clinical testing. Allele origin: germline.
Comment: The p.Q110K variant (also known as c.328C>A), located in coding exon 1 of the EGLN2 gene, results from a C to A substitution at nucleotide position 328. The glutamine at codon 110 is replaced by lysine, an amino acid with similar properties. This amino acid position is conserved. In addition, this alteration is predicted to be tolerated by in silico analysis. Since supporting evidence is limited at this time, the clinical significance of this alteration remains unclear.